The following is an entry in ClinVar:

ClinVar aggregate classification (germline): Uncertain significance. Review status: criteria provided, multiple submitters, no conflicts (2 of 4 stars). 3 submissions from 3 submitters: Uncertain significance (3). Last evaluated 2026-02-27.

Conditions:
Senior-Loken syndrome 7 (SLSN7). Identifiers: Orphanet 3156, MedGen C3150877, MONDO:0013326, OMIM 613615.
Bardet-Biedl syndrome 16 (BBS16). Identifiers: Orphanet 110, MedGen C3889474, MONDO:0014444, OMIM 615993.
SDCCAG8-related disorder. Also called: SDCCAG8-Related Disorders; SDCCAG8-related condition.
Inborn genetic diseases. Identifiers: MedGen C0950123, MeSH D030342.

Allele frequency attached by ClinVar (database versions not stated): gnomAD 0.00005; TOPMed 0.00005; gnomAD exomes 0.00006; ExAC 0.00013; 1000 Genomes Project 30x 0.00016; 1000 Genomes Project 0.00020.
gnomAD v4.1: 94 of 1,613,998 alleles (0.0058%); highest among the groups gnomAD compares: Non-Finnish European, 0.0066%; 1 homozygote.

Submissions (3):

PreventionGenetics, part of Exact Sciences
Classification: Uncertain significance for SDCCAG8-related condition. Last evaluated: 2026-02-27. Review status: criteria provided, single submitter. Criteria: ACMG Guidelines, 2015. Collection method: clinical testing. Allele origin: germline.
Comment: The SDCCAG8 c.1158G>C variant is predicted to result in the amino acid substitution p.Arg386Ser. To our knowledge, this variant has not been reported in the literature. This variant is reported in 0.012% of alleles in individuals of European (Non-Finnish) descent in gnomAD. At this time, the clinical significance of this variant is uncertain due to the absence of conclusive functional and genetic evidence.

Ambry Genetics
Classification: Uncertain significance for Inborn genetic diseases. Last evaluated: 2025-02-02. Review status: criteria provided, single submitter. Criteria: Ambry Variant Classification Scheme 2023. Collection method: clinical testing. Allele origin: germline.

Labcorp Genetics (formerly Invitae), Labcorp
Classification: Uncertain significance for Bardet-Biedl syndrome 16; Senior-Loken syndrome 7. Last evaluated: 2022-07-04. Review status: criteria provided, single submitter. Criteria: Invitae Variant Classification Sherloc (09022015). Collection method: clinical testing. Allele origin: germline.
Comment: This sequence change replaces arginine, which is basic and polar, with serine, which is neutral and polar, at codon 386 of the SDCCAG8 protein (p.Arg386Ser). This variant is present in population databases (rs200987365, gnomAD 0.01%). This variant has not been reported in the literature in individuals affected with SDCCAG8-related conditions. Algorithms developed to predict the effect of missense changes on protein structure and function are either unavailable or do not agree on the potential impact of this missense change (SIFT: "Deleterious"; PolyPhen-2: "Probably Damaging"; Align-GVGD: "Class C0"). In summary, the available evidence is currently insufficient to determine the role of this variant in disease. Therefore, it has been classified as a Variant of Uncertain Significance.

NM_006642.5(SDCCAG8):c.1158G>C (p.Arg386Ser)

Gene: SDCCAG8 (SHH signaling and ciliogenesis regulator SDCCAG8; plus strand). Cytogenetic location: 1q43.
Variant type: single nucleotide variant.
Coding change: c.1158G>C on transcript NM_006642.5 (MANE Select); coding-DNA position 1158, G replaced by C.
Protein change: p.Arg386Ser; replaces arginine 386 with serine.
Molecular consequence: missense variant.
Genome position (GRCh38, 1-based): chr1:243,330,629, G>C. VCF-style: chr1-243330629-G-C. GRCh37 (hg19) VCF-style: chr1-243493931-G-C.
Other names: c.255G>C, p.Arg85Ser (NM_001350246.2, NM_001350247.2, NM_001350251.2); c.1254G>C, p.Arg418Ser (NM_001350248.2); c.864G>C, p.Arg288Ser (NM_001350249.2); c.1158G>C (NM_006642.3); short protein forms R418S, R288S, R386S, R85S.
Identifiers: ClinVar variation 1992294 (VCV001992294.3), dbSNP rs200987365, ClinGen allele CA1483571.